The following is an entry in ClinVar:

NM_021729.6(VPS11):c.866A>T (p.Asp289Val)

Gene: VPS11 (VPS11 core subunit of CORVET and HOPS complexes; plus strand). Cytogenetic location: 11q23.3.
Variant type: single nucleotide variant.
Coding change: c.866A>T on transcript NM_021729.6 (MANE Select); coding-DNA position 866, A replaced by T.
Protein change: p.Asp289Val; replaces aspartic acid 289 with valine.
Molecular consequence: missense variant. On other transcripts: non-coding transcript variant (5).
Genome position (GRCh38, 1-based): chr11:119,071,825, A>T. VCF-style: chr11-119071825-A-T. GRCh37 (hg19) VCF-style: chr11-118942535-A-T.
Other names: c.836A>T, p.Asp279Val (NM_001290185.2); c.878A>T, p.Asp293Val (NM_001378218.1); c.866A>T, p.Asp289Val (NM_001378219.1, NM_001378220.1); c.848A>T, p.Asp283Val (NM_001378221.1); short protein forms D293V, D279V, D283V, D289V.
Identifiers: ClinVar variation 1364266 (VCV001364266.5), dbSNP rs782120183, ClinGen allele CA6313280.

ClinVar aggregate classification (germline): Uncertain significance (1 of 4 stars; one submission).

Allele frequency attached by ClinVar (database versions not stated): ExAC 0.00001; gnomAD 0.00001; gnomAD exomes 0.00001 and 0.00002; TOPMed 0.00002.
gnomAD v4.1: 22 of 1,612,982 alleles (0.0014%); highest among the groups gnomAD compares: Admixed American, 0.0067%; no homozygotes.

Submission:

Labcorp Genetics (formerly Invitae), Labcorp
Classification: Uncertain significance. Last evaluated: 2021-12-02. Review status: criteria provided, single submitter. Criteria: Invitae Variant Classification Sherloc (09022015). Collection method: clinical testing. Allele origin: germline.
Comment: This sequence change replaces aspartic acid with valine at codon 289 of the VPS11 protein (p.Asp289Val). The aspartic acid residue is moderately conserved and there is a large physicochemical difference between aspartic acid and valine. This variant is present in population databases (rs782120183, gnomAD 0.003%). This variant has not been reported in the literature in individuals affected with VPS11-related conditions. Experimental studies and prediction algorithms are not available or were not evaluated, and the functional significance of this variant is currently unknown. In summary, the available evidence is currently insufficient to determine the role of this variant in disease. Therefore, it has been classified as a Variant of Uncertain Significance.